The following is an entry in ClinVar:

ClinVar aggregate classification (germline): Conflicting classifications of pathogenicity. Review status: criteria provided, conflicting classifications (1 of 4 stars). 4 submissions from 4 submitters: Uncertain significance (2); Likely benign (2). Last evaluated 2025-12-10.

Conditions:
Hereditary cancer-predisposing syndrome. Also called: Hereditary Cancer Syndrome; Hereditary neoplastic syndrome; Tumor predisposition; Neoplastic Syndromes, Hereditary. Identifiers: Orphanet 140162, MedGen C0027672, MeSH D009386, MONDO:0015356.
Bloom syndrome (BLM). Also called: Bloom-Torre-Machacek syndrome. Identifiers: Orphanet 125, MedGen C0005859, MONDO:0008876, OMIM 210900.

Allele frequency attached by ClinVar (database versions not stated): ExAC 0.00001; gnomAD exomes 0.00001; TOPMed 0.00004; gnomAD 0.00006 and 0.00007; 1000 Genomes Project 30x 0.00016; 1000 Genomes Project 0.00020.
gnomAD v4.1: 18 of 1,614,164 alleles (0.0011%); highest among the groups gnomAD compares: Middle Eastern, 0.017%; no homozygotes.

Submissions (4):

Labcorp Genetics (formerly Invitae), Labcorp
Classification: Uncertain significance for Bloom syndrome. Last evaluated: 2025-12-10. Review status: criteria provided, single submitter. Criteria: Invitae Variant Classification Sherloc (09022015). Collection method: clinical testing. Allele origin: germline.
Comment: This sequence change replaces alanine, which is neutral and non-polar, with threonine, which is neutral and polar, at codon 1312 of the BLM protein (p.Ala1312Thr). This variant is present in population databases (rs527291754, gnomAD 0.007%). This variant has not been reported in the literature in individuals affected with BLM-related conditions. ClinVar contains an entry for this variant (Variation ID: 127506). Invitae Evidence Modeling of protein sequence and biophysical properties (such as structural, functional, and spatial information, amino acid conservation, physicochemical variation, residue mobility, and thermodynamic stability) indicates that this missense variant is not expected to disrupt BLM protein function with a negative predictive value of 80%. In summary, the available evidence is currently insufficient to determine the role of this variant in disease. Therefore, it has been classified as a Variant of Uncertain Significance.

Ambry Genetics
Classification: Likely benign for Hereditary cancer-predisposing syndrome. Last evaluated: 2023-12-20. Review status: criteria provided, single submitter. Criteria: Ambry Variant Classification Scheme 2023. Collection method: clinical testing. Allele origin: germline.

Mendelics
Classification: Likely benign for Bloom syndrome. Last evaluated: 2019-05-28. Review status: criteria provided, single submitter. Criteria: Mendelics Assertion Criteria 2017. Collection method: clinical testing. Allele origin: unknown.

GeneDx
Classification: Uncertain significance. Last evaluated: 2014-02-20. Review status: criteria provided, single submitter. Criteria: GeneDx Variant Classification (06012015). Collection method: clinical testing. Allele origin: germline. Affected: yes.
Comment: Single pathogenic variants in BLM have only recently been described in association with cancer predisposition and the risks are not well understood. This variant is denoted BLM c.3934G>A at the cDNA level, p.Ala1312Thr (A1312T) at the protein level, and results in the change of an Alanine to a Threonine (GCT>ACT). This variant has not, to our knowledge, been published in the literature as pathogenic or benign. BLM Ala1312Thr was not observed in approximately 6,500 individuals of European and African American ancestry in the NHLBI Exome Sequencing Project, indicating it is not a common benign variant in these populations. This variant is a non-conservative substitution in which a neutral non-polar amino acid is replaced with a neutral polar one, altering a position that is highly variable throughout evolution and is not located in a known functional domain. In silico analyses predict this variant to have a benign effect on protein structure and function. On a molecular level, the impact of this missense variant on protein structure and function is not known and thus we consider this to be a variant of uncertain significance. Furthermore, based on the currently available information, cancer risks associated with this variant, and with single variants the BLM gene in general, remain unclear.

NM_000057.4(BLM):c.3934G>A (p.Ala1312Thr)

Gene: BLM (BLM RecQ like helicase; plus strand). Cytogenetic location: 15q26.1.
Variant type: single nucleotide variant.
Coding change: c.3934G>A on transcript NM_000057.4 (MANE Select); coding-DNA position 3934, G replaced by A.
Protein change: p.Ala1312Thr; replaces alanine 1312 with threonine.
Molecular consequence: missense variant.
Genome position (GRCh38, 1-based): chr15:90,811,264, G>A. VCF-style: chr15-90811264-G-A. GRCh37 (hg19) VCF-style: chr15-91354494-G-A.
Other names: p.A1312T:GCT>ACT; c.3934G>A, p.Ala1312Thr (NM_001287246.2); c.3541G>A, p.Ala1181Thr (NM_001287247.2); c.2809G>A, p.Ala937Thr (NM_001287248.2); c.3934G>A (LRG_20t1); short protein forms A1312T, A937T, A1181T.
Identifiers: ClinVar variation 127506 (VCV000127506.14), dbSNP rs527291754, ClinGen allele CA287121.